The following is an entry in ClinVar:

NM_012470.4(TNPO3):c.2061+17C>A

Gene: TNPO3 (transportin 3; minus strand). Cytogenetic location: 7q32.1.
Variant type: single nucleotide variant.
Coding change: c.2061+17C>A on transcript NM_012470.4 (MANE Select); 17 bases into the intron after coding-DNA position 2061, C replaced by A.
Molecular consequence: intron variant.
Genome position (GRCh38, 1-based): chr7:128,978,966, G>T on the plus strand (C>A on the coding strand, the complement: TNPO3 is on the minus strand). VCF-style: chr7-128978966-G-T. GRCh37 (hg19) VCF-style: chr7-128619020-G-T.
Other names: c.1917+17C>A (NM_001382221.1); c.1914+17C>A (NM_001382222.1); c.1953+17C>A (NM_001382219.1); c.1869+17C>A (NM_001382223.1, NM_001191028.3); c.1920+1005C>A (NM_001382220.1); c.2061+17C>A (NM_001382218.1); c.2163+17C>A (NM_001382216.1); c.2142+17C>A (NM_001382217.1).
Identifiers: ClinVar variation 388848 (VCV000388848.1), dbSNP rs190490751, ClinGen allele CA4477995.

ClinVar aggregate classification (germline): Likely benign (1 of 4 stars; one submission).

gnomAD v4.1: 22 of 1,612,972 alleles (0.0014%); highest among the groups gnomAD compares: East Asian, 0.047%; no homozygotes.

Submission:

GeneDx
Classification: Likely benign. Last evaluated: 2016-09-02. Review status: criteria provided, single submitter. Criteria: GeneDx Variant Classification (06012015). Collection method: clinical testing. Allele origin: germline. Affected: yes.
Comment: This variant is considered likely benign or benign based on one or more of the following criteria: it is a conservative change, it occurs at a poorly conserved position in the protein, it is predicted to be benign by multiple in silico algorithms, and/or has population frequency not consistent with disease.